The following is an entry in ClinVar:

NM_006031.6(PCNT):c.6985C>T (p.Pro2329Ser)

Gene: PCNT (pericentrin; plus strand). Cytogenetic location: 21q22.3.
Variant type: single nucleotide variant.
Coding change: c.6985C>T on transcript NM_006031.6 (MANE Select); coding-DNA position 6985, C replaced by T.
Protein change: p.Pro2329Ser; replaces proline 2329 with serine.
Molecular consequence: missense variant.
Genome position (GRCh38, 1-based): chr21:46,418,267, C>T. VCF-style: chr21-46418267-C-T. GRCh37 (hg19) VCF-style: chr21-47838181-C-T.
Other names: c.6631C>T, p.Pro2211Ser (NM_001315529.2); short protein forms P2329S, P2211S.
Identifiers: ClinVar variation 4982652 (VCV004982652.1).

ClinVar aggregate classification (germline): Uncertain significance (1 of 4 stars; one submission).

Conditions:
PCNT-related disorder. Also called: PCNT-related condition.

gnomAD v4.1: 15 of 1,608,764 alleles (0.00093%); highest among the groups gnomAD compares: African/African-American, 0.017%; no homozygotes.

Submission:

PreventionGenetics, part of Exact Sciences
Classification: Uncertain significance for PCNT-related condition. Last evaluated: 2025-05-07. Review status: criteria provided, single submitter. Criteria: ACMG Guidelines, 2015. Collection method: clinical testing. Allele origin: germline.
Comment: The PCNT c.6985C>T variant is predicted to result in the amino acid substitution p.Pro2329Ser. To our knowledge, this variant has not been reported in the literature or in a large population database (gnomAD), indicating this variant is rare. At this time, the clinical significance of this variant is uncertain due to the absence of conclusive functional and genetic evidence.